The following is an entry in ClinVar:

ClinVar aggregate classification (germline): Benign. Review status: criteria provided, multiple submitters, no conflicts (2 of 4 stars). 3 submissions from 3 submitters: Benign (3). Last evaluated 2018-07-09.

Conditions:
Emery-Dreifuss muscular dystrophy 5, autosomal dominant (EDMD5). Also called: EMERY-DREIFUSS MUSCULAR DYSTROPHY 5. Identifiers: Orphanet 261, MedGen C2751805, MONDO:0013072, OMIM 612999.

Allele frequency attached by ClinVar (database versions not stated): gnomAD exomes 0.12568; gnomAD 0.23448 and 0.23742; TOPMed 0.24834; 1000 Genomes Project 0.32528; 1000 Genomes Project 30x 0.32839.
gnomAD v4.1: 142,210 of 991,726 alleles (14%); highest among the groups gnomAD compares: African/African-American, 51%; 16,711 homozygotes.

Submissions (3):

GeneDx
Classification: Benign. Last evaluated: 2018-07-09. Review status: criteria provided, single submitter. Criteria: GeneDx Variant Classification Process June 2021. Collection method: clinical testing. Allele origin: germline. Affected: yes.

Illumina Laboratory Services, Illumina
Classification: Benign for Emery-Dreifuss muscular dystrophy 5, autosomal dominant. Last evaluated: 2018-01-12. Review status: criteria provided, single submitter. Criteria: ICSL Variant Classification Criteria 13 December 2019. Collection method: clinical testing. Allele origin: germline.
Comment: This variant was observed in the ICSL laboratory as part of a predisposition screen in an ostensibly healthy population. It had not been previously curated by ICSL or reported in the Human Gene Mutation Database (HGMD: prior to June 1st, 2018), and was therefore a candidate for classification through an automated scoring system. Utilizing variant allele frequency, disease prevalence and penetrance estimates, and inheritance mode, an automated score was calculated to assess if this variant is too frequent to cause the disease. Based on the score and internal cut-off values, a variant classified as benign is not then subjected to further curation. The score for this variant resulted in a classification of benign for this disease.

Breakthrough Genomics
Classification: Benign. Review status: criteria provided, single submitter. Criteria: ACMG Guidelines, 2015. Collection method: not provided. Allele origin: germline. Inheritance: Autosomal dominant inheritance. Affected: yes.

NM_182914.3(SYNE2):c.*133C>A

Gene: SYNE2 (spectrin repeat containing nuclear envelope protein 2; plus strand). Cytogenetic location: 14q23.2.
Variant type: single nucleotide variant.
Coding change: c.*133C>A on transcript NM_182914.3 (MANE Select); 133 bases downstream of the stop codon, C replaced by A.
Molecular consequence: 3 prime UTR variant.
Genome position (GRCh38, 1-based): chr14:64,225,659, C>A. VCF-style: chr14-64225659-C-A. GRCh37 (hg19) VCF-style: chr14-64692377-C-A.
Other names: c.*133C>A (NM_015180.6, NM_182910.2, NM_182913.4).
Identifiers: ClinVar variation 313673 (VCV000313673.7), dbSNP rs1152583, ClinGen allele CA10635059.
Genomic context (GRCh38, chr14:64,225,659, plus strand): 5'-ATCTGAGTGACTTAGTGTTGGCAAGGTCCCGGGACCTGTGCAGACTTCTTCTGGGCTTAC[C>A]CAGCACGGGCTCCCTGGAGCCCAGGGCAGCTTTCAGATTGTGTTCCTCCCCAGGAGCAGG-3'